The following is an entry in ClinVar:

NM_001018116.2(CAVIN4):c.408+9G>A

Gene: CAVIN4 (caveolae associated protein 4; plus strand). Cytogenetic location: 9q31.1.
Variant type: single nucleotide variant.
Coding change: c.408+9G>A on transcript NM_001018116.2 (MANE Select); 9 bases into the intron after coding-DNA position 408, G replaced by A.
Molecular consequence: intron variant.
Genome position (GRCh38, 1-based): chr9:100,578,560, G>A. VCF-style: chr9-100578560-G-A. GRCh37 (hg19) VCF-style: chr9-103340842-G-A.
Identifiers: ClinVar variation 680894 (VCV000680894.1), dbSNP rs376469478, ClinGen allele CA5160053.
Genomic context (GRCh38, chr9:100,578,560, plus strand): 5'-CAAGCAAGAGGAAATAATGAAGAAAAACAAATTCCGCGTGGTAATATTCCAGGTAAGCTT[G>A]CACTTGTGTTCAGCTTGCTTGTTCTAATCTCTTGCATCTTTTAATTGCCAAAAGTCATAT-3'

ClinVar aggregate classification (germline): Likely benign (1 of 4 stars; one submission).

Allele frequency attached by ClinVar (database versions not stated): ExAC 0.00005; gnomAD exomes 0.00005; 1000 Genomes Project 30x 0.00016; gnomAD 0.00019; 1000 Genomes Project 0.00020; TOPMed 0.00020; ESP Exome Variant Server 0.00023.
gnomAD v4.1: 51 of 1,612,584 alleles (0.0032%); highest among the groups gnomAD compares: African/African-American, 0.052%; no homozygotes.

Submission:

GeneDx
Classification: Likely benign. Last evaluated: 2018-03-20. Review status: criteria provided, single submitter. Criteria: GeneDx Variant Classification (06012015). Collection method: clinical testing. Allele origin: germline. Affected: yes.
Comment: This variant is considered likely benign or benign based on one or more of the following criteria: it is a conservative change, it occurs at a poorly conserved position in the protein, it is predicted to be benign by multiple in silico algorithms, and/or has population frequency not consistent with disease.